The following is an entry in ClinVar:

ClinVar aggregate classification (germline): Uncertain significance (1 of 4 stars; one submission).

Conditions:
Hereditary spastic paraplegia 39 (SPG39). Also called: Spastic Paraplegia Type 39 (SPG39); SPASTIC PARAPLEGIA 39, AUTOSOMAL RECESSIVE. Identifiers: Orphanet 139480, MedGen C2677586, MONDO:0012787, OMIM 612020.

Submission:

Labcorp Genetics (formerly Invitae), Labcorp
Classification: Uncertain significance for Hereditary spastic paraplegia 39. Last evaluated: 2024-11-11. Review status: criteria provided, single submitter. Criteria: Invitae Variant Classification Sherloc (09022015). Collection method: clinical testing. Allele origin: germline.
Comment: This sequence change falls in intron 10 of the PNPLA6 gene. It does not directly change the encoded amino acid sequence of the PNPLA6 protein. This variant is present in population databases (no rsID available, gnomAD 0.01%). This variant has not been reported in the literature in individuals affected with PNPLA6-related conditions. ClinVar contains an entry for this variant (Variation ID: 2043902). Algorithms developed to predict the effect of sequence changes on RNA splicing suggest that this variant may disrupt the consensus splice site. In summary, the available evidence is currently insufficient to determine the role of this variant in disease. Therefore, it has been classified as a Variant of Uncertain Significance.

NM_001166114.2(PNPLA6):c.925-12C>A

Gene: PNPLA6 (patatin like domain 6, lysophospholipase; plus strand). Cytogenetic location: 19p13.2.
Variant type: single nucleotide variant.
Coding change: c.925-12C>A on transcript NM_001166114.2 (MANE Select); 12 bases into the intron before coding-DNA position 925, C replaced by A.
Molecular consequence: intron variant.
Genome position (GRCh38, 1-based): chr19:7,541,342, C>A. VCF-style: chr19-7541342-C-A. GRCh37 (hg19) VCF-style: chr19-7606228-C-A.
Other names: c.808-12C>A (NM_006702.5, NM_001166112.2, NM_001166113.1); c.952-12C>A (NM_001166111.2).
Identifiers: ClinVar variation 2043902 (VCV002043902.3), dbSNP rs370904772, ClinGen allele CA505238588.